The following is an entry in ClinVar:

NM_130837.3(OPA1):c.1681G>C (p.Gly561Arg)

Gene: OPA1 (OPA1 mitochondrial dynamin like GTPase; plus strand). Cytogenetic location: 3q29.
Variant type: single nucleotide variant.
Coding change: c.1681G>C on transcript NM_130837.3 (MANE Select); coding-DNA position 1681, G replaced by C.
Protein change: p.Gly561Arg; replaces glycine 561 with arginine.
Molecular consequence: missense variant.
Genome position (GRCh38, 1-based): chr3:193,645,625, G>C. VCF-style: chr3-193645625-G-C. GRCh37 (hg19) VCF-style: chr3-193363414-G-C.
Other names: c.1147G>C, p.Gly383Arg (NM_001354663.2); c.1144G>C, p.Gly382Arg (NM_001354664.2); c.1516G>C, p.Gly506Arg (NM_015560.3); c.1408G>C, p.Gly470Arg (NM_130831.3); c.1462G>C, p.Gly488Arg (NM_130832.3); c.1519G>C, p.Gly507Arg (NM_130833.3); c.1570G>C, p.Gly524Arg (NM_130834.3); c.1573G>C, p.Gly525Arg (NM_130835.3); and 1 more; short protein forms G382R, G507R, G525R, G470R, G543R, G383R, G488R, G506R.
Identifiers: ClinVar variation 2733326 (VCV002733326.3), dbSNP rs2474901345, ClinGen allele CA355790152.
Genomic context (GRCh38, chr3:193,645,625, plus strand): 5'-ATTGAAGGAAAGCTCTTCCCAATGAAAGCTTTAGGTTATTTTGCTGTTGTAACAGGAAAA[G>C]GTATGCAAAGATGGATTATAATAACTTATTTTTAGTTTCTGTTGTTTTCAAATAATAAAG-3'
Protein context (NP_570850.2, residues 551-571): LGYFAVVTGK[Gly561Arg]NSSESIEAIR

ClinVar aggregate classification (germline): Uncertain significance (1 of 4 stars; one submission).

Submission:

Labcorp Genetics (formerly Invitae), Labcorp
Classification: Uncertain significance. Last evaluated: 2023-06-29. Review status: criteria provided, single submitter. Criteria: Invitae Variant Classification Sherloc (09022015). Collection method: clinical testing. Allele origin: germline.
Comment: An algorithm developed to predict the effect of missense changes on protein structure and function (PolyPhen-2) suggests that this variant is likely to be disruptive. This sequence change replaces glycine, which is neutral and non-polar, with arginine, which is basic and polar, at codon 506 of the OPA1 protein (p.Gly506Arg). This variant also falls at the last nucleotide of exon 15, which is part of the consensus splice site for this exon. This variant is not present in population databases (gnomAD no frequency). This variant has not been reported in the literature in individuals affected with OPA1-related conditions. Variants that disrupt the consensus splice site are a relatively common cause of aberrant splicing (PMID: 17576681, 9536098). Algorithms developed to predict the effect of sequence changes on RNA splicing suggest that this variant may disrupt the consensus splice site. In summary, the available evidence is currently insufficient to determine the role of this variant in disease. Therefore, it has been classified as a Variant of Uncertain Significance.

Literature cited by the submitters: PubMed 17576681; PubMed 9536098.